The following is an entry in ClinVar:

ClinVar aggregate classification (germline): Likely benign (1 of 4 stars; one submission).

Allele frequency attached by ClinVar (database versions not stated): 1000 Genomes Project 0.00220; ESP Exome Variant Server 0.00233; 1000 Genomes Project 30x 0.00234; gnomAD 0.00245; TOPMed 0.00283; ExAC 0.00312.
gnomAD v4.1: 2,902 of 1,602,150 alleles (0.18%); highest among the groups gnomAD compares: Middle Eastern, 0.53%; 9 homozygotes.

Submission:

CeGaT Center for Human Genetics Tuebingen
Classification: Likely benign. Last evaluated: 2022-12-01. Review status: criteria provided, single submitter. Criteria: CeGaT Center For Human Genetics Tuebingen Variant Classification Criteria Version 2. Collection method: clinical testing. Allele origin: germline. Affected: yes. Observed: 2 variant alleles.
Comment: SCNN1D: BP4, BS2

NM_001130413.4(SCNN1D):c.1288G>A (p.Asp430Asn)

Gene: SCNN1D (sodium channel epithelial 1 subunit delta; plus strand). Cytogenetic location: 1p36.33.
Variant type: single nucleotide variant.
Coding change: c.1288G>A on transcript NM_001130413.4 (MANE Select); coding-DNA position 1288, G replaced by A.
Protein change: p.Asp430Asn; replaces aspartic acid 430 with asparagine.
Molecular consequence: missense variant. On other transcripts: non-coding transcript variant (1).
Genome position (GRCh38, 1-based): chr1:1,287,277, G>A. VCF-style: chr1-1287277-G-A. GRCh37 (hg19) VCF-style: chr1-1222657-G-A.
Other names: short protein forms D430N.
Identifiers: ClinVar variation 2637994 (VCV002637994.24), dbSNP rs140170231, ClinGen allele CA514623.